The following is an entry in ClinVar:

ClinVar aggregate classification (germline): Pathogenic (1 of 4 stars; one submission).

Conditions:
Cohen syndrome (COH1). Also called: Cutis verticis gyrata, retinitis pigmentosa, and sensorineural deafness; PEPPER SYNDROME. Identifiers: Orphanet 193, MedGen C0265223, MONDO:0008999, OMIM 216550.

Submission:

Labcorp Genetics (formerly Invitae), Labcorp
Classification: Pathogenic for Cohen syndrome. Last evaluated: 2021-11-17. Review status: criteria provided, single submitter. Criteria: Invitae Variant Classification Sherloc (09022015). Collection method: clinical testing. Allele origin: germline.
Comment: This sequence change creates a premature translational stop signal (p.Thr1412Hisfs*15) in the VPS13B gene. It is expected to result in an absent or disrupted protein product. Loss-of-function variants in VPS13B are known to be pathogenic (PMID: 15141358, 16648375, 20461111). This variant is not present in population databases (gnomAD no frequency). This variant has not been reported in the literature in individuals affected with VPS13B-related conditions. For these reasons, this variant has been classified as Pathogenic.

Literature cited by the submitters: PubMed 15141358; PubMed 16648375; PubMed 20461111.

NM_017890.5(VPS13B):c.4233dup (p.Thr1412fs)

Gene: VPS13B (vacuolar protein sorting 13 homolog B; plus strand). Cytogenetic location: 8q22.2.
Variant type: Duplication.
Coding change: c.4233dup on transcript NM_017890.5 (MANE Plus Clinical); coding-DNA position 4233, one base duplicated (C; older notation c.4233dupC).
Protein change: p.Thr1412fs; shifts the reading frame from threonine 1412.
Molecular consequence: frameshift variant. On other transcripts: intron variant (1).
Genome position (GRCh38, 1-based): chr8:99,507,845, C duplicated. VCF-style (leftmost placement, unchanged base first): chr8-99507844-G-GC. GRCh37 (hg19) VCF-style: chr8-100520072-G-GC.
Other names: c.4224+642dup (NM_152564.5); short protein forms T1412fs.
Identifiers: ClinVar variation 1423212 (VCV001423212.6), dbSNP rs2133626786, ClinGen allele CA2573143577.